The following is an entry in ClinVar:

NM_139076.3(ABRAXAS1):c.575G>A (p.Ser192Asn)

Gene: ABRAXAS1 (abraxas 1, BRCA1 A complex subunit; minus strand). Cytogenetic location: 4q21.23.
Variant type: single nucleotide variant.
Coding change: c.575G>A on transcript NM_139076.3 (MANE Select); coding-DNA position 575, G replaced by A.
Protein change: p.Ser192Asn; replaces serine 192 with asparagine.
Molecular consequence: missense variant.
Genome position (GRCh38, 1-based): chr4:83,469,053, C>T on the plus strand (G>A on the coding strand, the complement: ABRAXAS1 is on the minus strand). VCF-style: chr4-83469053-C-T. GRCh37 (hg19) VCF-style: chr4-84390206-C-T.
Other names: c.248G>A, p.Ser83Asn (NM_001345962.2); short protein forms S192N, S83N.
Identifiers: ClinVar variation 411327 (VCV000411327.12), dbSNP rs368006283, ClinGen allele CA2990518.

ClinVar aggregate classification (germline): Conflicting classifications of pathogenicity. Review status: criteria provided, conflicting classifications (1 of 4 stars). 2 submissions from 2 submitters: Uncertain significance (1); Likely benign (1). Last evaluated 2024-03-25.

Allele frequency attached by ClinVar (database versions not stated): ExAC 0.00001; gnomAD exomes 0.00001 and 0.00005; TOPMed 0.00001; ESP Exome Variant Server 0.00008.
gnomAD v4.1: 80 of 1,613,184 alleles (0.005%); highest among the groups gnomAD compares: Non-Finnish European, 0.0064%; no homozygotes.

Submissions (2):

Ambry Genetics
Classification: Likely benign. Last evaluated: 2024-03-25. Review status: criteria provided, single submitter. Criteria: Ambry Variant Classification Scheme 2023. Collection method: clinical testing. Allele origin: germline.

Labcorp Genetics (formerly Invitae), Labcorp
Classification: Uncertain significance. Last evaluated: 2022-08-01. Review status: criteria provided, single submitter. Criteria: Invitae Variant Classification Sherloc (09022015). Collection method: clinical testing. Allele origin: germline.
Comment: In summary, the available evidence is currently insufficient to determine the role of this variant in disease. Therefore, it has been classified as a Variant of Uncertain Significance. Algorithms developed to predict the effect of missense changes on protein structure and function output the following: SIFT: "Tolerated"; PolyPhen-2: "Benign"; Align-GVGD: "Class C0". The asparagine amino acid residue is found in multiple mammalian species, which suggests that this missense change does not adversely affect protein function. ClinVar contains an entry for this variant (Variation ID: 411327). This variant has not been reported in the literature in individuals affected with ABRAXAS1-related conditions. This variant is present in population databases (rs368006283, gnomAD 0.003%). This sequence change replaces serine, which is neutral and polar, with asparagine, which is neutral and polar, at codon 192 of the ABRAXAS1 protein (p.Ser192Asn).